The following is an entry in ClinVar:

ClinVar aggregate classification (germline): Likely pathogenic. Review status: criteria provided, single submitter (1 of 4 stars). 2 submissions from 1 submitter: Likely pathogenic (2). Last evaluated 2016-01-01.

Conditions:
Wilson disease (WND). Also called: Wilson's disease. Identifiers: Orphanet 905, MedGen C0019202, MONDO:0010200, OMIM 277900. Disease mechanism: loss of function.
Kayser-Fleischer ring. Identifiers: MedGen C0152457, HP:0200032.
Hand tremor. Identifiers: MedGen C0239842, HP:0002378.

gnomAD v4.1: 1 of 1,613,852 alleles (0.000062%); highest among the groups gnomAD compares: Non-Finnish European, 0.000085%; no homozygotes.

Submissions (2):

Centre for Mendelian Genomics, University Medical Centre Ljubljana
Classification: Likely pathogenic for Wilson disease. Last evaluated: 2016-01-01. Review status: criteria provided, single submitter. Criteria: ACMG Guidelines, 2015. Collection method: clinical testing. Allele origin: unknown. Affected: yes.
Comment: This variant was classified as: Likely pathogenic.

Centre for Mendelian Genomics, University Medical Centre Ljubljana
Classification: Likely pathogenic for Hand tremor; Kayser-Fleischer ring. Last evaluated: 2015-09-30. Review status: criteria provided, single submitter. Criteria: ACMG Guidelines, 2015. Collection method: clinical testing. Allele origin: unknown. Affected: yes.

NM_000053.4(ATP7B):c.2963G>A (p.Gly988Glu)

Gene: ATP7B (ATPase copper transporting beta; minus strand). Cytogenetic location: 13q14.3.
Variant type: single nucleotide variant.
Coding change: c.2963G>A on transcript NM_000053.4 (MANE Select); coding-DNA position 2963, G replaced by A.
Protein change: p.Gly988Glu; replaces glycine 988 with glutamic acid.
Molecular consequence: missense variant.
Genome position (GRCh38, 1-based): chr13:51,946,381, C>T on the plus strand (G>A on the coding strand, the complement: ATP7B is on the minus strand). VCF-style: chr13-51946381-C-T. GRCh37 (hg19) VCF-style: chr13-52520517-C-T.
Other names: c.2342G>A, p.Gly781Glu (NM_001005918.3); c.2630G>A, p.Gly877Glu (NM_001243182.2); c.2729G>A, p.Gly910Glu (NM_001330578.2); c.2711G>A, p.Gly904Glu (NM_001330579.2); short protein forms G988E, G904E, G781E, G877E, G910E.
Identifiers: ClinVar variation 374060 (VCV000374060.4), dbSNP rs1057518867, ClinGen allele CA16043475.
Genomic context (GRCh38, chr13:51,946,381, plus strand): 5'-AGGATGCCGTTCTGCGCGGCCACCCCGGTGCCCACCATGACAGCCGTGGGCGTGGCCAGC[C>T]CCAGGGAGCAGGGGCAGGCAATGCACAGCACCGTGATGGACGTCTGGAAAGCAAACCGGA-3'
Protein context (NP_000044.2, residues 978-998): VLCIACPCSL[Gly988Glu]LATPTAVMVG